The following is an entry in ClinVar:

ClinVar aggregate classification (germline): Pathogenic (1 of 4 stars; one submission).

Conditions:
Mucopolysaccharidosis, MPS-II (MPS2). Also called: Hunter Syndrome; IDURONATE 2-SULFATASE DEFICIENCY; Mucopolysaccharidosis Type II; Mucopolysaccharidosis type 2; Attenuated MPS (subtype; formerly known as mild MPS II); Severe MPS II. Identifiers: Orphanet 580, Orphanet 79388, MedGen C0026705, MONDO:0010674, OMIM 309900.

Submission:

Laboratory of Diagnosis and Therapy of Lysosomal Disorders, University of Padova
Classification: Pathogenic for Mucopolysaccharidosis, MPS-II. Last evaluated: 2024-06-07. Review status: criteria provided, single submitter. Criteria: ACMG Guidelines, 2015. Collection method: literature only. Allele origin: germline. Affected: yes. Observed: 3 variant alleles.
Comment: Absent from controls (or at low frequency) in gnomAD database (PM2_Moderate), Missense change at the same amino acid residue as a pathogenic variant (PM5_Moderate), Missense variant in a gene with a low rate of benign missense variation (PP2_Supporting), Multiple lines of computational evidence support a deleterious effect (PP3_Supporting), Patient’s phenotype or family history highly specific for the disease (PP4_Strong)

Classification method: ACMG Guidelines [PMID:25741868] with modifications

Literature cited by the submitters: PubMed 8830188; PubMed 9950361; PubMed 9266380.

NM_000202.8(IDS):c.1006G>A (p.Gly336Arg)

Genes: IDS (iduronate 2-sulfatase; minus strand), LOC106050102 (IDS recombination region; plus strand). Cytogenetic location: Xq28.
Variant type: single nucleotide variant.
Coding change: c.1006G>A on transcript NM_000202.8 (MANE Select); coding-DNA position 1006, G replaced by A.
Protein change: p.Gly336Arg; replaces glycine 336 with arginine.
Molecular consequence: missense variant. On other transcripts: non-coding transcript variant (1).
Genome position (GRCh38, 1-based): chrX:149,490,314, C>T on the plus strand (G>A on the coding strand, the complement: IDS is on the minus strand). VCF-style: chrX-149490314-C-T. GRCh37 (hg19) VCF-style: chrX-148571845-C-T.
Other names: c.736G>A, p.Gly246Arg (NM_001166550.4); c.1006G>A, p.Gly336Ser (NM_006123.5); short protein forms G246R, G336R, G336S.
Identifiers: ClinVar variation 3255905 (VCV003255905.2).